The following is an entry in ClinVar:

ClinVar aggregate classification (germline): Uncertain significance. Review status: criteria provided, multiple submitters, no conflicts (2 of 4 stars). 2 submissions from 2 submitters: Uncertain significance (2). Last evaluated 2019-08-12.

Conditions:
Bardet-Biedl syndrome (BBS). Identifiers: Orphanet 110, MedGen C0752166, MONDO:0015229.

gnomAD v4.1: 2 of 1,614,190 alleles (0.00012%); highest among the groups gnomAD compares: Non-Finnish European, 0.00017%; no homozygotes.

Submissions (2):

GeneDx
Classification: Uncertain significance. Last evaluated: 2019-08-12. Review status: criteria provided, single submitter. Criteria: GeneDx Variant Classification Process June 2021. Collection method: clinical testing. Allele origin: germline. Affected: yes.
Comment: Not observed in large population cohorts (Lek et al., 2016); In silico analysis, which includes protein predictors and evolutionary conservation, supports that this variant does not alter protein structure/function; Has not been previously published as pathogenic or benign to our knowledge

SN ONGC Dept of Genetics and Molecular biology Vision Research Foundation
Classification: Uncertain significance for Bardet-Biedl syndrome. Review status: criteria provided, single submitter. Criteria: ACMG Guidelines, 2015. Collection method: research. Allele origin: unknown. Affected: yes.

NM_152384.3(BBS5):c.25G>A (p.Glu9Lys)

Genes: BBS5 (Bardet-Biedl syndrome 5; plus strand), LOC129935068 (ATAC-STARR-seq lymphoblastoid active region 16738; plus strand). Cytogenetic location: 2q31.1.
Variant type: single nucleotide variant.
Coding change: c.25G>A on transcript NM_152384.3 (MANE Select); coding-DNA position 25, G replaced by A.
Protein change: p.Glu9Lys; replaces glutamic acid 9 with lysine.
Molecular consequence: missense variant.
Genome position (GRCh38, 1-based): chr2:169,479,578, G>A. VCF-style: chr2-169479578-G-A. GRCh37 (hg19) VCF-style: chr2-170336088-G-A.
Other names: short protein forms E9K.
Identifiers: ClinVar variation 1307388 (VCV001307388.3), dbSNP rs1363954560, ClinGen allele CA349158686.